The following is an entry in ClinVar:

NM_000747.3(CHRNB1):c.1033T>G (p.Trp345Gly)

Gene: CHRNB1 (cholinergic receptor nicotinic beta 1 subunit; plus strand). Cytogenetic location: 17p13.1.
Variant type: single nucleotide variant.
Coding change: c.1033T>G on transcript NM_000747.3 (MANE Select); coding-DNA position 1033, T replaced by G.
Protein change: p.Trp345Gly; replaces tryptophan 345 with glycine.
Molecular consequence: missense variant.
Genome position (GRCh38, 1-based): chr17:7,454,509, T>G. VCF-style: chr17-7454509-T-G. GRCh37 (hg19) VCF-style: chr17-7357828-T-G.
Other names: c.1033T>G (NM_000747.2); short protein forms W345G.
Identifiers: ClinVar variation 1350429 (VCV001350429.8), dbSNP rs1909002019, ClinGen allele CA397798924.

ClinVar aggregate classification (germline): Uncertain significance. Review status: criteria provided, multiple submitters, no conflicts (2 of 4 stars). 3 submissions from 3 submitters: Uncertain significance (3). Last evaluated 2025-01-12.

Conditions:
Inborn genetic diseases. Identifiers: MedGen C0950123, MeSH D030342.
Congenital myasthenic syndrome 2A. Also called: Myasthenic syndrome, congenital, 2a, slow-channel. Identifiers: Orphanet 590, MedGen C4225374, MONDO:0014581, OMIM 616313.

Allele frequency attached by ClinVar (database versions not stated): gnomAD 0.00001.
gnomAD v4.1: 1 of 1,613,952 alleles (0.000062%); highest among the groups gnomAD compares: Admixed American, 0.0017%; no homozygotes.

Submissions (3):

GeneDx
Classification: Uncertain significance. Last evaluated: 2025-01-12. Review status: criteria provided, single submitter. Criteria: GeneDx Variant Classification Process June 2021. Collection method: clinical testing. Allele origin: germline. Affected: yes.
Comment: Not observed at significant frequency in large population cohorts (gnomAD); In silico analysis supports that this missense variant has a deleterious effect on protein structure/function; Has not been previously published as pathogenic or benign to our knowledge

Ambry Genetics
Classification: Uncertain significance for Inborn genetic diseases. Last evaluated: 2023-12-28. Review status: criteria provided, single submitter. Criteria: Ambry Variant Classification Scheme 2023. Collection method: clinical testing. Allele origin: germline.

Labcorp Genetics (formerly Invitae), Labcorp
Classification: Uncertain significance for Congenital myasthenic syndrome 2A. Last evaluated: 2022-10-13. Review status: criteria provided, single submitter. Criteria: Invitae Variant Classification Sherloc (09022015). Collection method: clinical testing. Allele origin: germline.
Comment: In summary, the available evidence is currently insufficient to determine the role of this variant in disease. Therefore, it has been classified as a Variant of Uncertain Significance. Advanced modeling of protein sequence and biophysical properties (such as structural, functional, and spatial information, amino acid conservation, physicochemical variation, residue mobility, and thermodynamic stability) has been performed at Invitae for this missense variant, however the output from this modeling did not meet the statistical confidence thresholds required to predict the impact of this variant on CHRNB1 protein function. ClinVar contains an entry for this variant (Variation ID: 1350429). This variant has not been reported in the literature in individuals affected with CHRNB1-related conditions. This variant is not present in population databases (gnomAD no frequency). This sequence change replaces tryptophan, which is neutral and slightly polar, with glycine, which is neutral and non-polar, at codon 345 of the CHRNB1 protein (p.Trp345Gly).